The following is an entry in ClinVar:

NM_003611.3(OFD1):c.2101C>T (p.Gln701Ter)

Gene: OFD1 (OFD1 centriole and centriolar satellite protein; plus strand). Cytogenetic location: Xp22.2.
Variant type: single nucleotide variant.
Coding change: c.2101C>T on transcript NM_003611.3 (MANE Select); coding-DNA position 2101, C replaced by T.
Protein change: p.Gln701Ter; replaces glutamine 701 with a stop codon.
Molecular consequence: nonsense.
Genome position (GRCh38, 1-based): chrX:13,760,561, C>T. VCF-style: chrX-13760561-C-T. GRCh37 (hg19) VCF-style: chrX-13778680-C-T.
Other names: c.1981C>T, p.Gln661Ter (NM_001330209.2); c.1681C>T, p.Gln561Ter (NM_001330210.2); short protein forms Q661*, Q561*, Q701*.
Identifiers: ClinVar variation 2138476 (VCV002138476.4), dbSNP rs2518940054, ClinGen allele CA412344522.

ClinVar aggregate classification (germline): Pathogenic (1 of 4 stars; one submission).

Conditions:
Joubert syndrome. Also called: CEREBELLOPARENCHYMAL DISORDER IV; JOUBERT-BOLTSHAUSER SYNDROME; Familial aplasia of the vermis. Identifiers: Orphanet 475, MedGen C5979921, MONDO:0018772.
Orofaciodigital syndrome I (OFD1). Also called: OFDS I; Papillon-Leage and Psaume Syndrome; Oral-Facial-Digital Syndrome Type I. Identifiers: Orphanet 2750, MedGen C1510460, MONDO:0010702, OMIM 311200.

Submission:

Labcorp Genetics (formerly Invitae), Labcorp
Classification: Pathogenic for Orofaciodigital syndrome I; Joubert syndrome. Last evaluated: 2022-08-20. Review status: criteria provided, single submitter. Criteria: Invitae Variant Classification Sherloc (09022015). Collection method: clinical testing. Allele origin: germline.
Comment: For these reasons, this variant has been classified as Pathogenic. This premature translational stop signal has been observed in individual(s) with clinical features of OFD1-related conditions (PMID: 28371265). This variant is not present in population databases (gnomAD no frequency). This sequence change creates a premature translational stop signal (p.Gln701*) in the OFD1 gene. It is expected to result in an absent or disrupted protein product. Loss-of-function variants in OFD1 are known to be pathogenic (PMID: 16783569, 18546297, 27081566).

Literature cited by the submitters: PubMed 28371265; PubMed 16783569; PubMed 18546297; PubMed 27081566.